The following is an entry in ClinVar:

NM_000088.4(COL1A1):c.4006-33G>A

Gene: COL1A1 (collagen type I alpha 1 chain; minus strand). Cytogenetic location: 17q21.33.
Variant type: single nucleotide variant.
Coding change: c.4006-33G>A on transcript NM_000088.4 (MANE Select); 33 bases into the intron before coding-DNA position 4006, G replaced by A.
Molecular consequence: intron variant.
Genome position (GRCh38, 1-based): chr17:50,186,053, C>T on the plus strand (G>A on the coding strand, the complement: COL1A1 is on the minus strand). VCF-style: chr17-50186053-C-T. GRCh37 (hg19) VCF-style: chr17-48263414-C-T.
Identifiers: ClinVar variation 1215933 (VCV001215933.13), dbSNP rs201920224, ClinGen allele CA8644282.
Genomic context (GRCh38, chr17:50,186,053, plus strand): 5'-GGTCGGAGCCCTGGCCGCCATACTCGAACTGCAGGGGAGGGGAGAGAGGGAAGAGTGAGC[C>T]GCTATGCGGGAACCTCTAGTCCTGCCTGGCCTCCCTGTCCAGGGTCCTCAGAGAGCTGCC-3'

ClinVar aggregate classification (germline): Benign/Likely benign. Review status: criteria provided, multiple submitters, no conflicts (2 of 4 stars). 4 submissions from 4 submitters: Benign (2); Likely benign (2). Last evaluated 2022-07-06.

Conditions:
Osteogenesis imperfecta with normal sclerae, dominant form (OI4). Also called: Osteogenesis Imperfecta Type IV; OSTEOGENESIS IMPERFECTA WITH NORMAL SCLERAE; Osteogenesis imperfecta type 4; OSTEOGENESIS IMPERFECTA, TYPE IV, WITH DENTINOGENESIS IMPERFECTA; Common Variable Osteogenesis Imperfecta with Normal Sclerae. Identifiers: Orphanet 216820, Orphanet 666, MedGen C0268363, MONDO:0008148, OMIM 166220.
Osteogenesis imperfecta, perinatal lethal (OI2). Also called: OSTEOGENESIS IMPERFECTA, TYPE II; OI, TYPE II; OSTEOGENESIS IMPERFECTA CONGENITA; Osteogenesis imperfecta type 2; VROLIK TYPE OF OSTEOGENESIS IMPERFECTA; Osteogenesis imperfecta, dominant perinatal lethal. Identifiers: Orphanet 216804, MedGen C0268358, MONDO:0008147, OMIM 166210.
Osteogenesis imperfecta type III (OI3). Also called: Osteogenesis imperfecta type 3; OI type 3; Osteogenesis imperfecta, progressively deforming with normal sclerae; OI type III; Progressively Deforming Osteogenesis Imperfecta. Identifiers: Orphanet 216812, Orphanet 666, MedGen C0268362, MONDO:0009804, OMIM 259420.
Infantile cortical hyperostosis. Also called: Caffey Disease; Hyperostosis, Cortical, Congenital; P1PK BLOOD GROUP SYSTEM, P(2) PHENOTYPE. Identifiers: Orphanet 1310, MedGen C0020497, MONDO:0007244, OMIM 114000.
Combined osteogenesis imperfecta and Ehlers-Danlos syndrome 1. Also called: OIEDS SYNDROME 1. Identifiers: MedGen C5436842, MONDO:0030854, OMIM 619115.
Osteoporosis. Identifiers: MedGen C0029456, MONDO:0005298, OMIM 166710, HP:0000939.
Ehlers-Danlos syndrome, arthrochalasia type. Also called: EDS VII, MUTANT PROCOLLAGEN TYPE; EDS VIIA; Ehlers-Danlos syndrome, arthrochalasis type; Ehlers-Danlos syndrome, arthrochalasia type, 1; ARTHROCHALASIS MULTIPLEX CONGENITA. Identifiers: Orphanet 1899, Orphanet 99875, Orphanet 99876, MedGen C4551623, MONDO:0007525, OMIM 130060.
Osteogenesis imperfecta type I (OI1). Also called: Lobstein disease; OI, TYPE I; OSTEOGENESIS IMPERFECTA TARDA; OSTEOGENESIS IMPERFECTA WITH BLUE SCLERAE; Osteogenesis imperfecta type 1; Lobstein's Disease. Identifiers: Orphanet 216796, Orphanet 666, MedGen C0023931, MONDO:0008146, OMIM 166200. Disease mechanism: loss of function.

Allele frequency attached by ClinVar (database versions not stated): gnomAD exomes 0.00019 and 0.00058; ExAC 0.00070; gnomAD 0.00182 and 0.00190; 1000 Genomes Project 0.00200; ESP Exome Variant Server 0.00208; TOPMed 0.00212; 1000 Genomes Project 30x 0.00219.
gnomAD v4.1: 562 of 1,608,800 alleles (0.035%); highest among the groups gnomAD compares: African/African-American, 0.58%; 2 homozygotes.

Submissions (4):

Labcorp Genetics (formerly Invitae), Labcorp
Classification: Benign for Osteogenesis imperfecta type I. Last evaluated: 2022-07-06. Review status: criteria provided, single submitter. Criteria: Invitae Variant Classification Sherloc (09022015). Collection method: clinical testing. Allele origin: germline.

Mendelics
Classification: Benign. Last evaluated: 2022-05-04. Review status: criteria provided, single submitter. Criteria: Mendelics Assertion Criteria 2019. Collection method: clinical testing. Allele origin: germline.

Fulgent Genetics
Classification: Likely benign for Infantile cortical hyperostosis; Ehlers-Danlos syndrome, arthrochalasia type; Osteogenesis imperfecta type I; Osteogenesis imperfecta, perinatal lethal; Osteogenesis imperfecta with normal sclerae, dominant form; Osteoporosis; Osteogenesis imperfecta type III; Combined osteogenesis imperfecta and Ehlers-Danlos syndrome 1. Last evaluated: 2021-12-30. Review status: criteria provided, single submitter. Criteria: ACMG Guidelines, 2015. Collection method: clinical testing. Allele origin: unknown.

GeneDx
Classification: Likely benign. Last evaluated: 2019-03-15. Review status: criteria provided, single submitter. Criteria: GeneDx Variant Classification Process June 2021. Collection method: clinical testing. Allele origin: germline. Affected: yes.
Comment: This variant is associated with the following publications: (PMID: 25963598)